The following is an entry in ClinVar:

ClinVar aggregate classification (germline): Uncertain significance (1 of 4 stars; one submission).

Conditions:
DICER1-related tumor predisposition. Also called: DICER1-related pleuropulmonary blastoma cancer predisposition syndrome; DICER1 syndrome. Identifiers: Orphanet 284343, MedGen C3839822, MONDO:0100216.

gnomAD v4.1: 1 of 1,614,152 alleles (0.000062%); highest among the groups gnomAD compares: African/African-American, 0.0013%; no homozygotes.

Submission:

Labcorp Genetics (formerly Invitae), Labcorp
Classification: Uncertain significance for DICER1-related tumor predisposition. Last evaluated: 2023-01-19. Review status: criteria provided, single submitter. Criteria: Invitae Variant Classification Sherloc (09022015). Collection method: clinical testing. Allele origin: germline.
Comment: In summary, the available evidence is currently insufficient to determine the role of this variant in disease. Therefore, it has been classified as a Variant of Uncertain Significance. Advanced modeling of protein sequence and biophysical properties (such as structural, functional, and spatial information, amino acid conservation, physicochemical variation, residue mobility, and thermodynamic stability) performed at Invitae indicates that this missense variant is not expected to disrupt DICER1 protein function. This variant has not been reported in the literature in individuals affected with DICER1-related conditions. This variant is not present in population databases (gnomAD no frequency). This sequence change replaces lysine, which is basic and polar, with isoleucine, which is neutral and non-polar, at codon 46 of the DICER1 protein (p.Lys46Ile).

NM_177438.3(DICER1):c.137A>T (p.Lys46Ile)

Gene: DICER1 (dicer 1, ribonuclease III; minus strand). Cytogenetic location: 14q32.13.
Variant type: single nucleotide variant.
Coding change: c.137A>T on transcript NM_177438.3 (MANE Select); coding-DNA position 137, A replaced by T.
Protein change: p.Lys46Ile; replaces lysine 46 with isoleucine.
Molecular consequence: missense variant. On other transcripts: 5 prime UTR variant (8), non-coding transcript variant (6), intron variant (1).
Genome position (GRCh38, 1-based): chr14:95,133,322, T>A on the plus strand (A>T on the coding strand, the complement: DICER1 is on the minus strand). VCF-style: chr14-95133322-T-A. GRCh37 (hg19) VCF-style: chr14-95599659-T-A.
Other names: c.137A>T, p.Lys46Ile (NM_001195573.1, NM_001271282.3, NM_001291628.2 and 15 more transcripts); c.-138A>T (NM_001395686.1, NM_001395688.1, NM_001395689.1 and 3 more transcripts); c.-322A>T (NM_001395691.1); c.-1432A>T (NM_001395697.1); c.-130-645A>T (NM_001395687.1); short protein forms K46I.
Identifiers: ClinVar variation 2830281 (VCV002830281.3), dbSNP rs1595468517, ClinGen allele CA390890358.